The following is an entry in ClinVar:

NM_005121.3(MED13):c.5240C>T (p.Ala1747Val)

Gene: MED13 (mediator complex subunit 13; minus strand). Cytogenetic location: 17q23.2.
Variant type: single nucleotide variant.
Coding change: c.5240C>T on transcript NM_005121.3 (MANE Select); coding-DNA position 5240, C replaced by T.
Protein change: p.Ala1747Val; replaces alanine 1747 with valine.
Molecular consequence: missense variant.
Genome position (GRCh38, 1-based): chr17:61,961,604, G>A on the plus strand (C>T on the coding strand, the complement: MED13 is on the minus strand). VCF-style: chr17-61961604-G-A. GRCh37 (hg19) VCF-style: chr17-60038965-G-A.
Other names: short protein forms A1747V.
Identifiers: ClinVar variation 2429005 (VCV002429005.4), dbSNP rs776342503, ClinGen allele CA292813195.
Genomic context (GRCh38, chr17:61,961,604, plus strand): 5'-TATGTATAGTCATTGAACTTCGGTCATGAAAAACATATACTTACATCAGGACTTCTAAGG[G>A]CAGTTTCCATGGCTAAACCTGGACCAAAGCCAGTCAATGTTTTCACATTGGTTGATGTTG-3'
Protein context (NP_005112.2, residues 1737-1757): GFGPGLAMET[Ala1747Val]LRSPDRPECI

ClinVar aggregate classification (germline): Uncertain significance (1 of 4 stars; one submission).

Allele frequency attached by ClinVar (database versions not stated): gnomAD exomes below 0.00001; TOPMed 0.00001.
gnomAD v4.1: 2 of 1,613,602 alleles (0.00012%); highest among the groups gnomAD compares: Non-Finnish European, 0.00017%; no homozygotes.

Submission:

Greenwood Genetic Center Diagnostic Laboratories, Greenwood Genetic Center
Classification: Uncertain significance. Last evaluated: 2022-11-28. Review status: criteria provided, single submitter. Criteria: ACMG Guidelines, 2015. Collection method: clinical testing. Allele origin: germline. Affected: yes.
Comment: PM2